The following is an entry in ClinVar:

ClinVar aggregate classification (germline): Uncertain significance (1 of 4 stars; one submission).

Allele frequency attached by ClinVar (database versions not stated): gnomAD exomes 0.00001; 1000 Genomes Project 30x 0.00016; TOPMed below 0.00001; ExAC 0.00002; gnomAD 0.00001.
gnomAD v4.1: 19 of 1,614,160 alleles (0.0012%); highest among the groups gnomAD compares: Admixed American, 0.0033%; no homozygotes.

Submission:

Labcorp Genetics (formerly Invitae), Labcorp
Classification: Uncertain significance. Last evaluated: 2021-11-22. Review status: criteria provided, single submitter. Criteria: Invitae Variant Classification Sherloc (09022015). Collection method: clinical testing. Allele origin: germline.
Comment: In summary, the available evidence is currently insufficient to determine the role of this variant in disease. Therefore, it has been classified as a Variant of Uncertain Significance. Algorithms developed to predict the effect of missense changes on protein structure and function are either unavailable or do not agree on the potential impact of this missense change (SIFT: "Deleterious"; PolyPhen-2: "Probably Damaging"; Align-GVGD: "Class C0"). This variant has not been reported in the literature in individuals affected with MTHFD1-related conditions. This variant is present in population databases (rs371285981, gnomAD 0.006%). This sequence change replaces threonine, which is neutral and polar, with methionine, which is neutral and non-polar, at codon 906 of the MTHFD1 protein (p.Thr906Met).

NM_005956.4(MTHFD1):c.2717C>T (p.Thr906Met)

Genes: MTHFD1 (methylenetetrahydrofolate dehydrogenase, cyclohydrolase and formyltetrahydrofolate synthetase 1; plus strand), ZBTB25 (zinc finger and BTB domain containing 25; minus strand). Cytogenetic location: 14q23.3.
Variant type: single nucleotide variant.
Coding change: c.2717C>T on transcript NM_005956.4 (MANE Select); coding-DNA position 2717, C replaced by T.
Protein change: p.Thr906Met; replaces threonine 906 with methionine.
Molecular consequence: missense variant. On other transcripts: intron variant (1).
Genome position (GRCh38, 1-based): chr14:64,454,874, C>T. VCF-style: chr14-64454874-C-T. GRCh37 (hg19) VCF-style: chr14-64921592-C-T.
Other names: c.2717C>T, p.Thr906Met (NM_001364837.1); c.174-5236G>A (NM_001304508.1); short protein forms T906M.
Identifiers: ClinVar variation 1400804 (VCV001400804.5), dbSNP rs371285981, ClinGen allele CA7226669.
Genomic context (GRCh38, chr14:64,454,874, plus strand): 5'-TGCCCATTCGCGACATCCGCGCCAGCGTTGGGGCTGGTTTTCTGTACCCCTTAGTAGGAA[C>T]GGTAAGTGCATGCTGCAAGGGAGTAGTGGGCGCATCTGCACTTCTCGTCTGAAGTGTGTT-3'
Protein context (NP_005947.3, residues 896-916): GAGFLYPLVG[Thr906Met]MSTMPGLPTR